The following is an entry in ClinVar:

ClinVar aggregate classification (germline): Uncertain significance (1 of 4 stars; one submission).

Allele frequency attached by ClinVar (database versions not stated): gnomAD exomes 0.00001; TOPMed 0.00001; ExAC 0.00002; gnomAD 0.00002.
gnomAD v4.1: 17 of 1,610,576 alleles (0.0011%); highest among the groups gnomAD compares: East Asian, 0.038%; no homozygotes.

Submission:

Labcorp Genetics (formerly Invitae), Labcorp
Classification: Uncertain significance. Last evaluated: 2024-11-23. Review status: criteria provided, single submitter. Criteria: Invitae Variant Classification Sherloc (09022015). Collection method: clinical testing. Allele origin: germline.
Comment: This sequence change replaces asparagine, which is neutral and polar, with lysine, which is basic and polar, at codon 1409 of the ADCY10 protein (p.Asn1409Lys). This variant is present in population databases (rs758859163, gnomAD 0.05%). This variant has not been reported in the literature in individuals affected with ADCY10-related conditions. ClinVar contains an entry for this variant (Variation ID: 2891951). An algorithm developed to predict the effect of missense changes on protein structure and function (PolyPhen-2) suggests that this variant is likely to be disruptive. In summary, the available evidence is currently insufficient to determine the role of this variant in disease. Therefore, it has been classified as a Variant of Uncertain Significance.

NM_018417.6(ADCY10):c.4227C>A (p.Asn1409Lys)

Gene: ADCY10 (adenylate cyclase 10; minus strand). Cytogenetic location: 1q24.2.
Variant type: single nucleotide variant.
Coding change: c.4227C>A on transcript NM_018417.6 (MANE Select); coding-DNA position 4227, C replaced by A.
Protein change: p.Asn1409Lys; replaces asparagine 1409 with lysine.
Molecular consequence: missense variant.
Genome position (GRCh38, 1-based): chr1:167,822,083, G>T on the plus strand (C>A on the coding strand, the complement: ADCY10 is on the minus strand). VCF-style: chr1-167822083-G-T. GRCh37 (hg19) VCF-style: chr1-167791321-G-T.
Other names: c.3768C>A, p.Asn1256Lys (NM_001167749.3); c.3951C>A, p.Asn1317Lys (NM_001297772.2); short protein forms N1409K, N1256K, N1317K.
Identifiers: ClinVar variation 2891951 (VCV002891951.3), dbSNP rs758859163, ClinGen allele CA1227108.
Genomic context (GRCh38, chr1:167,822,083, plus strand): 5'-CCAGATAGCTACAGAGGAATAAAGTCCCAGGAGGAGTCCACTGTGGAACTTGAGGATTCT[G>T]TTGTTTTCGTATTGGTGTATGAATTCCAAACATTCTTCAAATGTTCTATAAACAAAACCT-3'
Protein context (NP_060887.2, residues 1399-1419): CLEFIHQYEN[Asn1409Lys]RILKFHSGLL